The following is an entry in ClinVar:

NM_000383.4(AIRE):c.26G>C (p.Arg9Pro)

Gene: AIRE (autoimmune regulator; plus strand). Cytogenetic location: 21q22.3.
Variant type: single nucleotide variant.
Coding change: c.26G>C on transcript NM_000383.4 (MANE Select); coding-DNA position 26, G replaced by C.
Protein change: p.Arg9Pro; replaces arginine 9 with proline.
Molecular consequence: missense variant.
Genome position (GRCh38, 1-based): chr21:44,286,032, G>C. VCF-style: chr21-44286032-G-C. GRCh37 (hg19) VCF-style: chr21-45705915-G-C.
Other names: c.26G>C (LRG_18t1); short protein forms R9P.
Identifiers: ClinVar variation 372599 (VCV000372599.1), dbSNP rs1057517878, ClinGen allele CA16043166.

ClinVar aggregate classification (germline): Likely pathogenic (1 of 4 stars; one submission).

Submission:

GeneDx
Classification: Likely pathogenic. Last evaluated: 2015-03-16. Review status: criteria provided, single submitter. Criteria: GeneDx Variant Classification (06012015). Collection method: clinical testing. Allele origin: germline. Affected: yes.
Comment: The R9P variant in the AIRE gene has not been published as a pathogenic variant, nor has it been reported as abenign polymorphism to our knowledge. The R9P variant was not observed in approximately 5300individuals of European and African American ancestry in the NHLBI Exome Sequencing Project,indicating it is not a common benign variant in these populations. The R9P variant is a non-conservativeamino acid substitution, which is likely to impact secondary protein structure as these residues differ inpolarity, charge, size and/or other properties. This substitution occurs at a position that is conserved acrossmammalian species. In silico analysis is inconsistent in its predictions as to whether or not the variant isdamaging to the protein structure/function. Missense variants in nearby residues (R8C, R15C, and R15L)have been reported in the Human Gene Mutation Database in association with APECED (Stenson et al.,2014), supporting the functional importance of this region of the protein. The R9P variant is a goodcandidate for a pathogenic variant, however the possibility it may be a rare benign variant cannot beexcluded.